The following is an entry in ClinVar:

NC_000009.11:g.(?_6602089)_(6645499_?)del

Gene: GLDC (glycine decarboxylase; minus strand). Cytogenetic location: 9p24.1.
Variant type: Deletion.
Identifiers: ClinVar variation 1459664 (VCV001459664.8).

ClinVar aggregate classification (germline): Pathogenic (1 of 4 stars; one submission).

Conditions:
Glycine encephalopathy. Also called: Non-ketotic hyperglycinemia; Nonketotic hyperglycinemia. Identifiers: Orphanet 407, MedGen C0751748, MONDO:0011612, HP:0008288.

Submission:

Labcorp Genetics (formerly Invitae), Labcorp
Classification: Pathogenic for Glycine encephalopathy. Last evaluated: 2023-11-06. Review status: criteria provided, single submitter. Criteria: Invitae Variant Classification Sherloc (09022015). Collection method: clinical testing. Allele origin: germline.
Comment: This variant is a gross deletion of the genomic region encompassing exon(s) 1-8 of the GLDC gene, which includes the initiator codon. This deletion extends beyond the assayed region for this gene and therefore may encompass additional genes. It is expected to result in an absent or disrupted protein product. Loss-of-function variants in GLDC are known to be pathogenic (PMID: 16601880). A similar copy number variant has been observed in individual(s) with non-ketotic hyperglycinemia (PMID: 27362913). For these reasons, this variant has been classified as Pathogenic.

Literature cited by the submitters: PubMed 16601880; PubMed 27362913.